The following is an entry in ClinVar:

NM_000037.4(ANK1):c.3925C>T (p.Gln1309Ter)

Gene: ANK1 (ankyrin 1; minus strand). Cytogenetic location: 8p11.21.
Variant type: single nucleotide variant.
Coding change: c.3925C>T on transcript NM_000037.4 (MANE Select); coding-DNA position 3925, C replaced by T.
Protein change: p.Gln1309Ter; replaces glutamine 1309 with a stop codon.
Molecular consequence: nonsense.
Genome position (GRCh38, 1-based): chr8:41,690,533, G>A on the plus strand (C>T on the coding strand, the complement: ANK1 is on the minus strand). VCF-style: chr8-41690533-G-A. GRCh37 (hg19) VCF-style: chr8-41548051-G-A.
Other names: c.4048C>T, p.Gln1350Ter (NM_001142446.2); c.3925C>T, p.Gln1309Ter (NM_020475.3, NM_020476.3, NM_020477.3); short protein forms Q1309*, Q1350*.
Identifiers: ClinVar variation 2098140 (VCV002098140.6), dbSNP rs2486750606, ClinGen allele CA371058353.
Genomic context (GRCh38, chr8:41,690,533, plus strand): 5'-CCTTTACAGGCATGGCCAGACGGTTCTCCCGAAATGACTGGAAGTGGAAGCTCCGCTGCT[G>A]GGCAGCTTTCTTCACAGGCACCAGGTTCCCAGAGAGTTCTGCAAACAGGGACATTCCTTC-3'

ClinVar aggregate classification (germline): Pathogenic. Review status: criteria provided, multiple submitters, no conflicts (2 of 4 stars). 3 submissions from 3 submitters: Pathogenic (3). Last evaluated 2023-10-23.

Conditions:
Hereditary spherocytosis type 1. Also called: Spherocytosis type 1; ANK1-Related Spherocytosis. Identifiers: Orphanet 822, MedGen C2674218, MONDO:0008447, OMIM 182900.

Submissions (3):

Illumina Laboratory Services, Illumina
Classification: Pathogenic for Hereditary spherocytosis type 1. Last evaluated: 2023-10-23. Review status: criteria provided, single submitter. Criteria: ICSLVariantClassificationCriteria RUGD 01 April 2020. Collection method: clinical testing. Allele origin: unknown.
Comment: The ANK1 c.3925C>T p.(Gln1309Ter) nonsense variant is predicted to result in the loss of normal protein function through either protein truncation or nonsense-mediated mRNA decay. This variant has been identified in an individual with hereditary spherocytosis in whom it occurred de novo (PMID: 32436265). This variant is not observed in version 2.1.1 or version 3.1.2 of the Genome Aggregation Database. Based on the available evidence, the c.3925C>T p.(Gln1309Ter) is classified as pathogenic for hereditary spherocytosis.

Revvity Omics, Revvity
Classification: Pathogenic for Hereditary spherocytosis type 1. Last evaluated: 2023-10-23. Review status: criteria provided, single submitter. Criteria: ACMG Guidelines, 2015. Collection method: clinical testing. Allele origin: germline.

Labcorp Genetics (formerly Invitae), Labcorp
Classification: Pathogenic. Last evaluated: 2022-04-13. Review status: criteria provided, single submitter. Criteria: Invitae Variant Classification Sherloc (09022015). Collection method: clinical testing. Allele origin: germline.
Comment: This variant is not present in population databases (gnomAD no frequency). This sequence change creates a premature translational stop signal (p.Gln1309*) in the ANK1 gene. It is expected to result in an absent or disrupted protein product. Loss-of-function variants in ANK1 are known to be pathogenic (PMID: 8640229). This premature translational stop signal has been observed in individual(s) with hereditary spherocytosis (PMID: 32436265). For these reasons, this variant has been classified as Pathogenic.

Literature cited by the submitters: PubMed 32436265 (cited by Illumina Laboratory Services, Illumina and Labcorp Genetics (formerly Invitae), Labcorp); PubMed 8640229 (cited by Labcorp Genetics (formerly Invitae), Labcorp).